The following is an entry in ClinVar:

ClinVar aggregate classification (germline): Likely pathogenic (1 of 4 stars; one submission).

Conditions:
Lateral meningocele syndrome (LMNS). Also called: NOTCH3-Related Lateral Meningocele Syndrome. Identifiers: Orphanet 2789, MedGen C1851710, MONDO:0007537, OMIM 130720.

Submission:

3billion
Classification: Likely pathogenic for Lateral meningocele syndrome. Last evaluated: 2024-11-27. Review status: criteria provided, single submitter. Criteria: ACMG Guidelines, 2015. Collection method: clinical testing. Allele origin: germline. Affected: yes.
Comment: The variant is not observed in the gnomAD v4.1.0 dataset. Predicted Consequence/Location: Frameshift: predicted to result in a loss or disruption of normal protein function through protein truncation. The predicted truncated protein may be shortened by less than 10%, and a gain of function effect has been reported near the truncated region (PMID: 25394726). Therefore, this variant is classified as Likely pathogenic according to the recommendation of ACMG/AMP guideline.

NM_000435.3(NOTCH3):c.6695dup (p.Ala2233fs)

Gene: NOTCH3 (notch receptor 3; minus strand). Cytogenetic location: 19p13.12.
Variant type: Duplication.
Coding change: c.6695dup on transcript NM_000435.3 (MANE Select); coding-DNA position 6695, one base duplicated (A; older notation c.6695dupA).
Protein change: p.Ala2233fs; shifts the reading frame from alanine 2233.
Molecular consequence: frameshift variant.
Genome position (GRCh38, 1-based): chr19:15,160,933, T duplicated on the plus strand (A on the coding strand, the reverse complement: NOTCH3 is on the minus strand); the first of 3 consecutive T bases (chr19:15,160,933-15,160,935); duplicating any one gives the same sequence. VCF-style (leftmost placement, unchanged base first): chr19-15160932-C-CT. GRCh37 (hg19) VCF-style: chr19-15271743-C-CT.
Other names: short protein forms A2233fs.
Identifiers: ClinVar variation 4293074 (VCV004293074.1).